The following is an entry in ClinVar:

NM_014629.4(ARHGEF10):c.2794A>T (p.Ile932Phe)

Gene: ARHGEF10 (Rho guanine nucleotide exchange factor 10; plus strand). Cytogenetic location: 8p23.3.
Variant type: single nucleotide variant.
Coding change: c.2794A>T on transcript NM_014629.4 (MANE Select); coding-DNA position 2794, A replaced by T.
Protein change: p.Ile932Phe; replaces isoleucine 932 with phenylalanine.
Molecular consequence: missense variant.
Genome position (GRCh38, 1-based): chr8:1,928,523, A>T. VCF-style: chr8-1928523-A-T. GRCh37 (hg19) VCF-style: chr8-1876689-A-T.
Other names: c.2680A>T, p.Ile894Phe (NM_001308152.2); c.2794A>T, p.Ile932Phe (NM_001308153.3); short protein forms I894F, I956F, I932F.
Identifiers: ClinVar variation 1495881 (VCV001495881.6), dbSNP rs1812858053, ClinGen allele CA369967817.

ClinVar aggregate classification (germline): Uncertain significance (1 of 4 stars; one submission).

Submission:

Labcorp Genetics (formerly Invitae), Labcorp
Classification: Uncertain significance. Last evaluated: 2022-11-08. Review status: criteria provided, single submitter. Criteria: Invitae Variant Classification Sherloc (09022015). Collection method: clinical testing. Allele origin: germline.
Comment: ClinVar contains an entry for this variant (Variation ID: 1495881). In summary, the available evidence is currently insufficient to determine the role of this variant in disease. Therefore, it has been classified as a Variant of Uncertain Significance. Advanced modeling of protein sequence and biophysical properties (such as structural, functional, and spatial information, amino acid conservation, physicochemical variation, residue mobility, and thermodynamic stability) has been performed at Invitae for this missense variant, however the output from this modeling did not meet the statistical confidence thresholds required to predict the impact of this variant on ARHGEF10 protein function. This variant has not been reported in the literature in individuals affected with ARHGEF10-related conditions. This variant is not present in population databases (gnomAD no frequency). This sequence change replaces isoleucine, which is neutral and non-polar, with phenylalanine, which is neutral and non-polar, at codon 932 of the ARHGEF10 protein (p.Ile932Phe).